The following is an entry in ClinVar:

ClinVar aggregate classification (germline): Likely pathogenic. Review status: criteria provided, single submitter (1 of 4 stars). 2 submissions from 2 submitters: Likely pathogenic (1). 1 of the submissions does not count toward it. Last evaluated 2016-06-28.

Conditions:
Leber congenital amaurosis (LCA). Also called: Leber's amaurosis. Identifiers: Orphanet 65, MedGen C0339527, MeSH D057130, MONDO:0018998.

Allele frequency attached by ClinVar (database versions not stated): gnomAD exomes below 0.00001.
gnomAD v4.1: 2 of 1,519,944 alleles (0.00013%); highest among the groups gnomAD compares: Non-Finnish European, 0.000091%; no homozygotes.

Submissions (2):

GeneDx
Classification: Likely pathogenic. Last evaluated: 2016-06-28. Review status: criteria provided, single submitter. Criteria: GeneDx Variant Classification (06012015). Collection method: clinical testing. Allele origin: germline. Affected: yes.
Comment: The c.3339+5G>A variant in the RPGRIP1 gene has not been reported previously as a pathogenic variant nor as a benign variant, to our knowledge. This splice site variant destroys the canonical splice donor site in intron 20, and splice predictor models indicate this variant creates a cryptic splice donor site downstream of the natural splice donor site in intron 20. It is expected to cause abnormal gene splicing. The c.3339+5G>A variant was not observed in approximately 6300 individuals of European and African American ancestry in the NHLBI Exome Sequencing Project, indicating it is not a common benign variant in these populations. The c.3339+5G>A variant is a strong candidate for a pathogenic variant, however the possibility it may be a rare benign variant cannot be excluded.

Rui Chen Lab, Baylor College of Medicine
Classification: Pathogenic for Leber congenital amaurosis. Last evaluated: 2017-05-09. Review status: no assertion criteria provided. Collection method: research. Allele origin: germline. Affected: yes. Not counted in ClinVar's aggregate classification.
Comment: An in vitrominigene system was used to confirm that the variant disrupts splicing

NM_020366.4(RPGRIP1):c.3339+5G>A

Gene: RPGRIP1 (RPGR interacting protein 1; plus strand). Cytogenetic location: 14q11.2.
Variant type: single nucleotide variant.
Coding change: c.3339+5G>A on transcript NM_020366.4 (MANE Select); 5 bases into the intron after coding-DNA position 3339, G replaced by A.
Molecular consequence: intron variant.
Genome position (GRCh38, 1-based): chr14:21,334,710, G>A. VCF-style: chr14-21334710-G-A. GRCh37 (hg19) VCF-style: chr14-21802869-G-A.
Other names: c.2265+5G>A (NM_001377948.1); c.1425+5G>A (NM_001377949.1); c.1317+5G>A (NM_001377523.1, NM_001377950.1); c.822+5G>A (NM_001377951.1).
Identifiers: ClinVar variation 372988 (VCV000372988.2), dbSNP rs1057518122, ClinGen allele CA16042847.
Genomic context (GRCh38, chr14:21,334,710, plus strand): 5'-CTACCGACAGTGATGATGTCATAGTGCCACCCATGTCTCAGAAATATCCTAAGGCAGTAA[G>A]TACACTGGAGTAATCATTGCATACGAGATAAGACGATAAATAATGACAGTGGCCAGTCAT-3'